The following is an entry in ClinVar:

NM_004370.6(COL12A1):c.4096A>T (p.Arg1366Trp)

Gene: COL12A1 (collagen type XII alpha 1 chain; minus strand). Cytogenetic location: 6q13.
Variant type: single nucleotide variant.
Coding change: c.4096A>T on transcript NM_004370.6 (MANE Select); coding-DNA position 4096, A replaced by T.
Protein change: p.Arg1366Trp; replaces arginine 1366 with tryptophan.
Molecular consequence: missense variant.
Genome position (GRCh38, 1-based): chr6:75,151,192, T>A on the plus strand (A>T on the coding strand, the complement: COL12A1 is on the minus strand). VCF-style: chr6-75151192-T-A. GRCh37 (hg19) VCF-style: chr6-75860908-T-A.
Other names: c.604A>T, p.Arg202Trp (NM_080645.3); short protein forms R1366W, R202W.
Identifiers: ClinVar variation 1963256 (VCV001963256.5), dbSNP rs1372337991, ClinGen allele CA364747042.

ClinVar aggregate classification (germline): Uncertain significance (1 of 4 stars; one submission).

Conditions:
Ullrich congenital muscular dystrophy 2 (UCMD2). Identifiers: Orphanet 75840, MedGen C4225314, MONDO:0014654, OMIM 616470.
Bethlem myopathy 2 (BTHLM2). Identifiers: Orphanet 536516, Orphanet 610, MedGen C4225313, MONDO:0034022, OMIM 616471.

Submission:

Labcorp Genetics (formerly Invitae), Labcorp
Classification: Uncertain significance for Bethlem myopathy 2; Ullrich congenital muscular dystrophy 2. Last evaluated: 2024-06-05. Review status: criteria provided, single submitter. Criteria: Invitae Variant Classification Sherloc (09022015). Collection method: clinical testing. Allele origin: germline.
Comment: This sequence change replaces arginine, which is basic and polar, with tryptophan, which is neutral and slightly polar, at codon 1366 of the COL12A1 protein (p.Arg1366Trp). This variant is not present in population databases (gnomAD no frequency). This variant has not been reported in the literature in individuals affected with COL12A1-related conditions. ClinVar contains an entry for this variant (Variation ID: 1963256). Advanced modeling of protein sequence and biophysical properties (such as structural, functional, and spatial information, amino acid conservation, physicochemical variation, residue mobility, and thermodynamic stability) performed at Invitae indicates that this missense variant is not expected to disrupt COL12A1 protein function with a negative predictive value of 80%. In summary, the available evidence is currently insufficient to determine the role of this variant in disease. Therefore, it has been classified as a Variant of Uncertain Significance.